The following is an entry in ClinVar:

NM_015040.4(PIKFYVE):c.3547C>A (p.Gln1183Lys)

Gene: PIKFYVE (phosphoinositide kinase, FYVE-type zinc finger containing; plus strand). Cytogenetic location: 2q34.
Variant type: single nucleotide variant.
Coding change: c.3547C>A on transcript NM_015040.4 (MANE Select); coding-DNA position 3547, C replaced by A.
Protein change: p.Gln1183Lys; replaces glutamine 1183 with lysine.
Molecular consequence: missense variant.
Genome position (GRCh38, 1-based): chr2:208,326,358, C>A. VCF-style: chr2-208326358-C-A. GRCh37 (hg19) VCF-style: chr2-209191082-C-A.
Other names: short protein forms Q1183K.
Identifiers: ClinVar variation 333917 (VCV000333917.15), dbSNP rs1529979, ClinGen allele CA2080059.

ClinVar aggregate classification (germline): Benign. Review status: criteria provided, multiple submitters, no conflicts (2 of 4 stars). 4 submissions from 4 submitters: Benign (4). Last evaluated 2026-02-01.

Conditions:
Fleck corneal dystrophy (CFD). Also called: CORNEAL DYSTROPHY, FRANCOIS-NEETENS SPECKLED OR FLECKED. Identifiers: Orphanet 98970, MedGen C1562113, MONDO:0007376, OMIM 121850.

Allele frequency attached by ClinVar (database versions not stated): 1000 Genomes Project 30x 0.90990; 1000 Genomes Project 0.91154; TOPMed 0.92206; ESP Exome Variant Server 0.92234; gnomAD 0.92765 and 0.92957; ExAC 0.95961; gnomAD exomes 0.96442 and 0.97656.
gnomAD v4.1: 1,568,487 of 1,613,836 alleles (97%); highest among the groups gnomAD compares: Non-Finnish European, 98%; 763,665 homozygotes.

Submissions (4):

Labcorp Genetics (formerly Invitae), Labcorp
Classification: Benign. Last evaluated: 2026-02-01. Review status: criteria provided, single submitter. Criteria: Invitae Variant Classification Sherloc (09022015). Collection method: clinical testing. Allele origin: germline.

Genome-Nilou Lab
Classification: Benign for Fleck corneal dystrophy. Last evaluated: 2021-09-05. Review status: criteria provided, single submitter. Criteria: ACMG Guidelines, 2015. Collection method: clinical testing. Allele origin: germline. Affected: no.

Illumina Laboratory Services, Illumina
Classification: Benign for Fleck corneal dystrophy. Last evaluated: 2018-01-13. Review status: criteria provided, single submitter. Criteria: ICSL Variant Classification Criteria 13 December 2019. Collection method: clinical testing. Allele origin: germline.
Comment: This variant was observed in the ICSL laboratory as part of a predisposition screen in an ostensibly healthy population. It had not been previously curated by ICSL or reported in the Human Gene Mutation Database (HGMD: prior to June 1st, 2018), and was therefore a candidate for classification through an automated scoring system. Utilizing variant allele frequency, disease prevalence and penetrance estimates, and inheritance mode, an automated score was calculated to assess if this variant is too frequent to cause the disease. Based on the score and internal cut-off values, a variant classified as benign is not then subjected to further curation. The score for this variant resulted in a classification of benign for this disease.

Breakthrough Genomics
Classification: Benign. Review status: criteria provided, single submitter. Criteria: ACMG Guidelines, 2015. Collection method: not provided. Allele origin: germline. Inheritance: Autosomal dominant inheritance. Affected: yes.